The following is an entry in ClinVar:

ClinVar aggregate classification (germline): Pathogenic (1 of 4 stars; one submission).

Conditions:
Citrin deficiency. Identifiers: Orphanet 247582, MedGen C1997910, MONDO:0016602.

Submission:

Labcorp Genetics (formerly Invitae), Labcorp
Classification: Pathogenic for Citrin deficiency. Last evaluated: 2023-05-07. Review status: criteria provided, single submitter. Criteria: Invitae Variant Classification Sherloc (09022015). Collection method: clinical testing. Allele origin: germline.
Comment: For these reasons, this variant has been classified as Pathogenic. This premature translational stop signal has been observed in individual(s) with neonatal intrahepatic cholestasis caused by citrin deficiency (PMID: 34704407). This variant is not present in population databases (gnomAD no frequency). This sequence change creates a premature translational stop signal (p.Glu307*) in the SLC25A13 gene. It is expected to result in an absent or disrupted protein product. Loss-of-function variants in SLC25A13 are known to be pathogenic (PMID: 10369257, 14680984, 27405544).

Literature cited by the submitters: PubMed 34704407; PubMed 10369257; PubMed 14680984; PubMed 27405544.

NM_014251.3(SLC25A13):c.919G>T (p.Glu307Ter)

Gene: SLC25A13 (solute carrier family 25 member 13; minus strand). Cytogenetic location: 7q21.3.
Variant type: single nucleotide variant.
Coding change: c.919G>T on transcript NM_014251.3 (MANE Select); coding-DNA position 919, G replaced by T.
Protein change: p.Glu307Ter; replaces glutamic acid 307 with a stop codon.
Molecular consequence: nonsense. On other transcripts: non-coding transcript variant (1).
Genome position (GRCh38, 1-based): chr7:96,189,308, C>A on the plus strand (G>T on the coding strand, the complement: SLC25A13 is on the minus strand). VCF-style: chr7-96189308-C-A. GRCh37 (hg19) VCF-style: chr7-95818620-C-A.
Other names: c.919G>T, p.Glu307Ter (NM_001160210.2); short protein forms E307*.
Identifiers: ClinVar variation 2907373 (VCV002907373.3), dbSNP rs2116648196, ClinGen allele CA368262050.